The following is an entry in ClinVar:

NM_001267550.2(TTN):c.23378-14del

Gene: TTN (titin; minus strand). Cytogenetic location: 2q31.2.
Variant type: Deletion.
Coding change: c.23378-14del on transcript NM_001267550.2 (MANE Select); 14 bases into the intron before coding-DNA position 23378, one base deleted (A; older notation c.23378-14delA).
Molecular consequence: intron variant.
Genome position (GRCh38, 1-based): chr2:178,720,278, T deleted on the plus strand (A on the coding strand, the reverse complement: TTN is on the minus strand); the first of 3 consecutive T bases (chr2:178,720,278-178,720,280); deleting any one gives the same sequence. VCF-style (leftmost placement, unchanged base first): chr2-178720277-AT-A. GRCh37 (hg19) VCF-style: chr2-179585004-AT-A.
Other names: c.19646-14delA (NM_133378.4); c.13282+17804del (NM_003319.4); c.13858+17804del (NM_133437.4); c.13657+17804del (NM_133432.3); c.19646-14del (NM_133378.4); c.22427-14del (NM_001256850.1).
Identifiers: ClinVar variation 1560679 (VCV001560679.10), dbSNP rs751632918, ClinGen allele CA2000639.
Genomic context (GRCh38, chr2:178,720,277, plus strand): 5'-CAATAAGGGTTGAGGTGTCACTTAGCTTTTTCACGAATCGTGGAGGTTCTGATGAAAGAA[AT>A]TTGTGGTTAGAGGAAAAAATGTGAGAATCATGGCCACACAAGTTATTAGTTAGGCAAGAA-3'

ClinVar aggregate classification (germline): Likely benign. Review status: criteria provided, multiple submitters, no conflicts (2 of 4 stars). 3 submissions from 3 submitters: Likely benign (3). Last evaluated 2025-11-23.

Conditions:
Dilated cardiomyopathy 1G (CMD1G). Identifiers: Orphanet 154, MedGen C1858763, MONDO:0011400, OMIM 604145.
Autosomal recessive limb-girdle muscular dystrophy type 2J (LGMDR10). Also called: Limb-girdle muscular dystrophy, type 2J; MUSCULAR DYSTROPHY, LIMB-GIRDLE, AUTOSOMAL RECESSIVE 10. Identifiers: Orphanet 140922, MedGen C1837342, MONDO:0012127, OMIM 608807.

Submissions (3):

Labcorp Genetics (formerly Invitae), Labcorp
Classification: Likely benign for Dilated cardiomyopathy 1G; Autosomal recessive limb-girdle muscular dystrophy type 2J. Last evaluated: 2025-11-23. Review status: criteria provided, single submitter. Criteria: Invitae Variant Classification Sherloc (09022015). Collection method: clinical testing. Allele origin: germline.

Women's Health and Genetics/Laboratory Corporation of America, LabCorp
Classification: Likely benign. Last evaluated: 2025-09-26. Review status: criteria provided, single submitter. Criteria: LabCorp Variant Classification Summary - May 2015. Collection method: clinical testing. Allele origin: germline.
Comment: Variant summary: TTN c.19646-14delA alters a nucleotide located at a position not widely known to affect splicing. Consensus agreement among computation tools predict no significant impact on normal splicing. However, these predictions have yet to be confirmed by functional studies. The variant allele was found at a frequency of 5.8e-05 in 240628 control chromosomes. This frequency is not significantly higher than estimated for disease-causing variants in TTN, allowing no conclusion about variant significance. To our knowledge, no occurrence of c.19646-14delA in individuals affected with TTN-related conditions and no experimental evidence demonstrating its impact on protein function have been reported. ClinVar contains an entry for this variant (Variation ID: 1560679). Based on the evidence outlined above, the variant was classified as likely benign.

Blueprint Genetics
Classification: Likely benign. Last evaluated: 2024-01-04. Review status: criteria provided, single submitter. Criteria: ACMG Guidelines, 2015. Collection method: clinical testing. Allele origin: germline.